The following is an entry in ClinVar:

NM_004260.4(RECQL4):c.391G>C (p.Gly131Arg)

Gene: RECQL4 (RecQ like helicase 4; minus strand). Cytogenetic location: 8q24.3.
Variant type: single nucleotide variant.
Coding change: c.391G>C on transcript NM_004260.4 (MANE Select); coding-DNA position 391, G replaced by C.
Protein change: p.Gly131Arg; replaces glycine 131 with arginine.
Molecular consequence: missense variant.
Genome position (GRCh38, 1-based): chr8:144,516,728, C>G on the plus strand (G>C on the coding strand, the complement: RECQL4 is on the minus strand). VCF-style: chr8-144516728-C-G. GRCh37 (hg19) VCF-style: chr8-145742112-C-G.
Other names: short protein forms G131R.
Identifiers: ClinVar variation 571808 (VCV000571808.8), dbSNP rs561427528, ClinGen allele CA4949308.

ClinVar aggregate classification (germline): Conflicting classifications of pathogenicity. Review status: criteria provided, conflicting classifications (1 of 4 stars). 3 submissions from 3 submitters: Uncertain significance (2); Likely benign (1). Last evaluated 2025-04-28.

Conditions:
Baller-Gerold syndrome (BGS). Also called: CRANIOSYNOSTOSIS WITH RADIAL DEFECTS. Identifiers: Orphanet 1225, MedGen C0265308, MONDO:0009039, OMIM 218600.
Inborn genetic diseases. Identifiers: MedGen C0950123, MeSH D030342.

Allele frequency attached by ClinVar (database versions not stated): gnomAD 0.00003; TOPMed 0.00005; 1000 Genomes Project 0.00020; 1000 Genomes Project 30x 0.00031.
gnomAD v4.1: 28 of 1,534,618 alleles (0.0018%); highest among the groups gnomAD compares: South Asian, 0.025%; no homozygotes.

Submissions (3):

Labcorp Genetics (formerly Invitae), Labcorp
Classification: Uncertain significance for Baller-Gerold syndrome. Last evaluated: 2025-04-28. Review status: criteria provided, single submitter. Criteria: Invitae Variant Classification Sherloc (09022015). Collection method: clinical testing. Allele origin: germline.
Comment: This sequence change replaces glycine, which is neutral and non-polar, with arginine, which is basic and polar, at codon 131 of the RECQL4 protein (p.Gly131Arg). This variant is present in population databases (rs561427528, gnomAD 0.04%). This variant has not been reported in the literature in individuals affected with RECQL4-related conditions. ClinVar contains an entry for this variant (Variation ID: 571808). Invitae Evidence Modeling of protein sequence and biophysical properties (such as structural, functional, and spatial information, amino acid conservation, physicochemical variation, residue mobility, and thermodynamic stability) indicates that this missense variant is not expected to disrupt RECQL4 protein function with a negative predictive value of 80%. In summary, the available evidence is currently insufficient to determine the role of this variant in disease. Therefore, it has been classified as a Variant of Uncertain Significance.

Ambry Genetics
Classification: Likely benign for Inborn genetic diseases. Last evaluated: 2025-01-17. Review status: criteria provided, single submitter. Criteria: Ambry Variant Classification Scheme 2023. Collection method: clinical testing. Allele origin: germline.

Revvity Omics, Revvity
Classification: Uncertain significance. Last evaluated: 2023-12-05. Review status: criteria provided, single submitter. Criteria: ACMG Guidelines, 2015. Collection method: clinical testing. Allele origin: germline.